The following is an entry in ClinVar:

ClinVar aggregate classification (germline): Uncertain significance (1 of 4 stars; one submission).

Conditions:
Juvenile polyposis syndrome (JPS). Identifiers: Orphanet 2929, MedGen C0345893, MONDO:0017380, OMIM 174900.

Submission:

Labcorp Genetics (formerly Invitae), Labcorp
Classification: Uncertain significance for Juvenile polyposis syndrome. Last evaluated: 2022-10-12. Review status: criteria provided, single submitter. Criteria: Invitae Variant Classification Sherloc (09022015). Collection method: clinical testing. Allele origin: germline.
Comment: In summary, the available evidence is currently insufficient to determine the role of this variant in disease. Therefore, it has been classified as a Variant of Uncertain Significance. Studies have shown that this variant results in inclusion of a cryptic exon and introduces a premature termination codon (Invitae). The resulting mRNA is expected to undergo nonsense-mediated decay. This variant has not been reported in the literature in individuals affected with BMPR1A-related conditions. This variant is not present in population databases (gnomAD no frequency). This sequence change falls in intron 3 of the BMPR1A gene. It does not directly change the encoded amino acid sequence of the BMPR1A protein. RNA analysis indicates that this variant induces altered splicing and may result in an absent or disrupted protein product.

NM_004329.3(BMPR1A):c.67+3077G>T

Gene: BMPR1A (bone morphogenetic protein receptor type 1A; plus strand). Cytogenetic location: 10q23.2.
Variant type: single nucleotide variant.
Coding change: c.67+3077G>T on transcript NM_004329.3 (MANE Select); 3077 bases into the intron after coding-DNA position 67, G replaced by T.
Molecular consequence: intron variant.
Genome position (GRCh38, 1-based): chr10:86,879,162, G>T. VCF-style: chr10-86879162-G-T. GRCh37 (hg19) VCF-style: chr10-88638919-G-T.
Identifiers: ClinVar variation 2031328 (VCV002031328.4), dbSNP rs2539366785, ClinGen allele CA2580082077.